The following is an entry in ClinVar:

NM_002476.2(MYL4):c.5C>T (p.Ala2Val)

Gene: MYL4 (myosin light chain 4; plus strand). Cytogenetic location: 17q21.32.
Variant type: single nucleotide variant.
Coding change: c.5C>T on transcript NM_002476.2 (MANE Select); coding-DNA position 5, C replaced by T.
Protein change: p.Ala2Val; replaces alanine 2 with valine.
Molecular consequence: missense variant.
Genome position (GRCh38, 1-based): chr17:47,209,427, C>T. VCF-style: chr17-47209427-C-T. GRCh37 (hg19) VCF-style: chr17-45286793-C-T.
Other names: c.5C>T, p.Ala2Val (NM_001002841.2); short protein forms A2V.
Identifiers: ClinVar variation 4717232 (VCV004717232.1).
Genomic context (GRCh38, chr17:47,209,427, plus strand): 5'-ACGTCTCTCGGTTTCTTCTTAGATCACTCCTCTGCCAAAGATCCCAACAAGACAACATGG[C>T]TCCCAAGAAGCCTGAGCCTAAGAAGGAGGCAGCCAAGCCAGCTCCAGCTCCAGCTCCAGC-3'
Protein context (NP_002467.1, residues 1-12): M[Ala2Val]PKKPEPKKEA

ClinVar aggregate classification (germline): Uncertain significance (1 of 4 stars; one submission).

Conditions:
Atrial fibrillation, familial, 18 (ATFB18). Identifiers: MedGen C4310636, MONDO:0015001, OMIM 617280.

Submission:

Labcorp Genetics (formerly Invitae), Labcorp
Classification: Uncertain significance for Atrial fibrillation, familial, 18. Last evaluated: 2025-10-10. Review status: criteria provided, single submitter. Criteria: Invitae Variant Classification Sherloc (09022015). Collection method: clinical testing. Allele origin: germline.
Comment: This sequence change replaces alanine, which is neutral and non-polar, with valine, which is neutral and non-polar, at codon 2 of the MYL4 protein (p.Ala2Val). This variant is not present in population databases (gnomAD no frequency). This variant has not been reported in the literature in individuals affected with MYL4-related conditions. Experimental studies and prediction algorithms are not available or were not evaluated, and the functional significance of this variant is currently unknown. In summary, the available evidence is currently insufficient to determine the role of this variant in disease. Therefore, it has been classified as a Variant of Uncertain Significance.